The following continues an entry in ClinVar:

NM_007294.4(BRCA1):c.2612C>T (p.Pro871Leu)

Gene: BRCA1. ClinVar aggregate classification (germline): Benign. Benign (1). ClinVar aggregate classification (somatic clinical impact): Tier IV - Benign/Likely benign.

Submissions 19 to 40 of 40:

Baylor Genetics
Classification: Benign for Familial cancer of breast. Last evaluated: 2017-02-23. Review status: criteria provided, single submitter. Criteria: ACMG Guidelines, 2015. Collection method: clinical testing. Allele origin: germline. Inheritance: Autosomal dominant inheritance. Affected: no. Not counted in ClinVar's aggregate classification.

Laboratory for Molecular Medicine, Mass General Brigham Personalized Medicine
Classification: Benign. Last evaluated: 2016-12-02. Review status: criteria provided, single submitter. Criteria: LMM Criteria. Collection method: clinical testing. Allele origin: germline. Observed: 3 variant alleles. Not counted in ClinVar's aggregate classification.
Comment: p.Pro871Leu in exon 10 of BRCA1: This variant is not expected to have clinical s ignificance because it has been identified in 82% (8522/10402) of African chromo somes by the Exome Aggregation Consortium (ExAC; dbSNP rs799917}).

Eurofins Ntd Llc (ga)
Classification: Benign. Last evaluated: 2016-01-07. Review status: criteria provided, single submitter. Criteria: EGL Classification Definitions 2015. Collection method: clinical testing. Allele origin: germline. Observed: 275 variant alleles, 200 heterozygotes, 75 homozygotes. Not counted in ClinVar's aggregate classification.

Ambry Genetics
Classification: Benign for Hereditary cancer-predisposing syndrome. Last evaluated: 2015-11-13. Review status: criteria provided, single submitter. Criteria: Ambry Variant Classification Scheme 2023. Collection method: clinical testing. Allele origin: germline. Not counted in ClinVar's aggregate classification.

Clinical Genetics DNA and cytogenetics Diagnostics Lab, Erasmus MC, Erasmus Medical Center
Classification: Benign for Breast-ovarian cancer, familial, susceptibility to, 1. Last evaluated: 2015-09-21. Review status: criteria provided, single submitter. Criteria: ACGS Guidelines, 2013. Collection method: clinical testing. Allele origin: germline. Affected: yes. Study: VKGL Data-share Consensus. Not counted in ClinVar's aggregate classification.

Molecular Genetics Laboratory, University of Michigan
Classification: Benign for Breast-ovarian cancer, familial, susceptibility to, 1. Last evaluated: 2014-11-03. Review status: criteria provided, single submitter. Criteria: ACMG Guidelines, 2015. Collection method: clinical testing. Allele origin: germline. Affected: yes. Not counted in ClinVar's aggregate classification.

Genome Diagnostics Laboratory, University Medical Center Utrecht
Classification: Benign for Breast-ovarian cancer, familial, susceptibility to, 1. Last evaluated: 2014-10-09. Review status: criteria provided, single submitter. Criteria: ACGS Guidelines, 2013. Collection method: clinical testing. Allele origin: germline. Affected: yes. Study: VKGL Data-share Consensus. Not counted in ClinVar's aggregate classification.

Women's Health and Genetics/Laboratory Corporation of America, LabCorp
Classification: Benign for Hereditary breast ovarian cancer syndrome. Last evaluated: 2013-12-19. Review status: criteria provided, single submitter. Criteria: LabCorp Variant Classification Summary - May 2015. Collection method: clinical testing. Allele origin: germline. Not counted in ClinVar's aggregate classification.

Breakthrough Genomics
Classification: Benign. Review status: criteria provided, single submitter. Criteria: ACMG Guidelines, 2015. Collection method: not provided. Allele origin: germline. Inheritance: Autosomal recessive inheritance. Affected: yes. Not counted in ClinVar's aggregate classification.

GreenArray Genomic Research & Solutions of Accurate Diagnostic Private Limited
Classification: Benign for Breast-ovarian cancer, familial, susceptibility to, 1. Review status: criteria provided, single submitter. Criteria: ACMG Guidelines, 2015. Collection method: clinical testing. Allele origin: germline. Affected: no. Not counted in ClinVar's aggregate classification.

PreventionGenetics, part of Exact Sciences
Classification: Benign. Review status: criteria provided, single submitter. Criteria: ACMG Guidelines, 2015. Collection method: clinical testing. Allele origin: germline. Not counted in ClinVar's aggregate classification.

Mayo Clinic Laboratories, Mayo Clinic
Classification: Benign. Last evaluated: 2016-12-07. Review status: no assertion criteria provided. Collection method: clinical testing. Allele origin: unknown. Not counted in ClinVar's aggregate classification.

Counsyl
Classification: Benign for Breast-ovarian cancer, familial 1. Last evaluated: 2014-01-02. Review status: no assertion criteria provided. Collection method: literature only. Allele origin: unknown. Inheritance: Autosomal dominant inheritance. Not counted in ClinVar's aggregate classification.
Comment: High frequency in a 1kG or ESP population: 33.6 %. This submission and the accompanying classification are no longer maintained by the submitter.

ITMI
No classification provided. Condition: AllHighlyPenetrant. Last evaluated: 2013-09-19. Review status: no classification provided. Collection method: reference population. Allele origin: germline. Not counted in ClinVar's aggregate classification.
Comment: Please see associated publication for description of ethnicities

Biesecker Lab/Clinical Genomics Section, National Institutes of Health
Classification: Benign. Last evaluated: 2012-07-13. Review status: no assertion criteria provided. Collection method: research. Allele origin: germline. Affected: no. Observed: 335 variant alleles. Study: ClinSeq. Not counted in ClinVar's aggregate classification.
ClinVar note: Converted during submission from no known pathogenicity to Benign.

Sharing Clinical Reports Project (SCRP)
Classification: Benign for Breast-ovarian cancer, familial 1. Last evaluated: 2011-03-22. Review status: no assertion criteria provided. Collection method: clinical testing. Allele origin: germline. Not counted in ClinVar's aggregate classification.

Breast Cancer Information Core (BIC) (BRCA1)
Classification: Benign for Breast-ovarian cancer, familial 1. Last evaluated: 1999-06-21. Review status: no assertion criteria provided. Collection method: clinical testing. Allele origin: germline, unknown. Affected: yes. Observed: 636 variant alleles. Not counted in ClinVar's aggregate classification.

Clinical Genetics Laboratory, Department of Pathology, Netherlands Cancer Institute
Classification: Benign. Review status: no assertion criteria provided. Collection method: clinical testing. Allele origin: germline. Affected: yes. Study: VKGL Data-share Consensus. Not counted in ClinVar's aggregate classification.

Department of Pathology and Laboratory Medicine, Sinai Health System
Classification: Benign. Review status: no assertion criteria provided. Collection method: clinical testing. Allele origin: unknown. Affected: yes. Study: The Canadian Open Genetics Repository (COGR). Not counted in ClinVar's aggregate classification.

Diagnostic Laboratory, Department of Genetics, University Medical Center Groningen
Classification: Benign for Breast-ovarian cancer, familial, susceptibility to, 1. Review status: no assertion criteria provided. Collection method: clinical testing. Allele origin: germline. Affected: yes. Study: VKGL Data-share Consensus. Not counted in ClinVar's aggregate classification.

Faculté Pluridciplinaire Nador, Université Mohamed Premier
Classification: Tier IV - Benign/Likely benign for Familial cancer of breast. Review status: no assertion criteria provided. Collection method: research. Allele origin: somatic. Affected: yes.
Comment: The following databases and algorithms are used to annotate and evaluate the impact of the variant in the context of human disease: 1000 genomes, gnomAD, ClinVar, OMIM, dbSNP, NCIB RefSeq Genes, ExAC Gene Constraints, VS-SIFT, VS-PolyPhen2, PhyloP, GERP++, GeneSplicer, MaxEntScan, NNSplice, PWM Splice Predictor.

Joint Genome Diagnostic Labs from Nijmegen and Maastricht, Radboudumc and MUMC+
Classification: Benign. Review status: no assertion criteria provided. Collection method: clinical testing. Allele origin: germline. Affected: yes. Study: VKGL Data-share Consensus. Not counted in ClinVar's aggregate classification.

Literature cited by the submitters: PubMed 21990134 (cited by Evidence-based Network for the Interpretation of Germline Mutant Alleles (ENIGMA)); DOI 10.3389/fgene.2022.834265 (cited by National Health Laboratory Service, Universitas Academic Hospital and University of the Free State); PubMed 36329109 (cited by Genetics Program, Instituto Nacional de Cancer); PubMed 20104584 (cited by Women's Health and Genetics/Laboratory Corporation of America, LabCorp); PubMed 21702907 (cited by Women's Health and Genetics/Laboratory Corporation of America, LabCorp); PubMed 24728327 (cited by ITMI); Konstantopoulou et al, Hu Mut 2000 (cited by Breast Cancer Information Core (BIC) (BRCA1)); Ladopolou-et-al.,-Cancer-Lett,-185:61,-2002 (cited by Breast Cancer Information Core (BIC) (BRCA1)).